The following is an entry in ClinVar:

NM_001364905.1(LRBA):c.6150T>A (p.Asp2050Glu)

Gene: LRBA (LPS responsive beige-like anchor protein; minus strand). Cytogenetic location: 4q31.3.
Variant type: single nucleotide variant.
Coding change: c.6150T>A on transcript NM_001364905.1 (MANE Select); coding-DNA position 6150, T replaced by A.
Protein change: p.Asp2050Glu; replaces aspartic acid 2050 with glutamic acid.
Molecular consequence: missense variant.
Genome position (GRCh38, 1-based): chr4:150,590,756, A>T on the plus strand (T>A on the coding strand, the complement: LRBA is on the minus strand). VCF-style: chr4-150590756-A-T. GRCh37 (hg19) VCF-style: chr4-151511908-A-T.
Other names: c.6150T>A, p.Asp2050Glu (NM_001199282.3, NM_001367550.1); c.6183T>A, p.Asp2061Glu (NM_006726.5); short protein forms D2050E, D2061E.
Identifiers: ClinVar variation 1378254 (VCV001378254.7), dbSNP rs762013388, ClinGen allele CA3102201.

ClinVar aggregate classification (germline): Uncertain significance. Review status: criteria provided, multiple submitters, no conflicts (2 of 4 stars). 3 submissions from 3 submitters: Uncertain significance (3). Last evaluated 2022-05-14.

Conditions:
Combined immunodeficiency due to LRBA deficiency. Also called: Common variable immunodeficiency 8, with autoimmunity. Identifiers: Orphanet 445018, MedGen C3553512, MONDO:0013863, OMIM 614700.
Inborn genetic diseases. Identifiers: MedGen C0950123, MeSH D030342.

Allele frequency attached by ClinVar (database versions not stated): ExAC 0.00001; gnomAD 0.00001; gnomAD exomes 0.00001 and 0.00004.
gnomAD v4.1: 64 of 1,613,976 alleles (0.004%); highest among the groups gnomAD compares: Non-Finnish European, 0.0051%; no homozygotes.

Submissions (3):

Labcorp Genetics (formerly Invitae), Labcorp
Classification: Uncertain significance for Combined immunodeficiency due to LRBA deficiency. Last evaluated: 2022-05-14. Review status: criteria provided, single submitter. Criteria: Invitae Variant Classification Sherloc (09022015). Collection method: clinical testing. Allele origin: germline.
Comment: This sequence change replaces aspartic acid, which is acidic and polar, with glutamic acid, which is acidic and polar, at codon 2061 of the LRBA protein (p.Asp2061Glu). This variant is present in population databases (rs762013388, gnomAD 0.003%). This variant has not been reported in the literature in individuals affected with LRBA-related conditions. Algorithms developed to predict the effect of missense changes on protein structure and function are either unavailable or do not agree on the potential impact of this missense change (SIFT: "Deleterious"; PolyPhen-2: "Probably Damaging"; Align-GVGD: "Class C0"). In summary, the available evidence is currently insufficient to determine the role of this variant in disease. Therefore, it has been classified as a Variant of Uncertain Significance.

Blueprint Genetics
Classification: Uncertain significance. Last evaluated: 2022-01-24. Review status: criteria provided, single submitter. Criteria: ACMG Guidelines, 2015. Collection method: clinical testing. Allele origin: germline.

Ambry Genetics
Classification: Uncertain significance for Inborn genetic diseases. Last evaluated: 2021-08-09. Review status: criteria provided, single submitter. Criteria: Ambry Variant Classification Scheme 2023. Collection method: clinical testing. Allele origin: germline.